The following is an entry in ClinVar:

ClinVar aggregate classification (germline): Uncertain significance (1 of 4 stars; one submission).

Conditions:
Congenital muscular dystrophy due to integrin alpha-7 deficiency. Also called: MYOPATHY, CONGENITAL, DUE TO INTEGRIN ALPHA-7 DEFICIENCY; Congenital muscular dystrophy with integrin alpha-7 deficiency; Muscular dystrophy, congenital, due to ITGA7 deficiency. Identifiers: Orphanet 34520, MedGen C2750786, MONDO:0013177, OMIM 613204.

Allele frequency attached by ClinVar (database versions not stated): gnomAD exomes below 0.00001; ExAC 0.00001; gnomAD 0.00001.
gnomAD v4.1: 8 of 1,613,944 alleles (0.0005%); highest among the groups gnomAD compares: East Asian, 0.016%; no homozygotes.

Submission:

Labcorp Genetics (formerly Invitae), Labcorp
Classification: Uncertain significance for Congenital muscular dystrophy due to integrin alpha-7 deficiency. Last evaluated: 2022-06-10. Review status: criteria provided, single submitter. Criteria: Invitae Variant Classification Sherloc (09022015). Collection method: clinical testing. Allele origin: germline.
Comment: In summary, the available evidence is currently insufficient to determine the role of this variant in disease. Therefore, it has been classified as a Variant of Uncertain Significance. Algorithms developed to predict the effect of missense changes on protein structure and function are either unavailable or do not agree on the potential impact of this missense change (SIFT: "Tolerated"; PolyPhen-2: "Probably Damaging"; Align-GVGD: "Class C0"). This variant has not been reported in the literature in individuals affected with ITGA7-related conditions. The frequency data for this variant in the population databases is considered unreliable, as metrics indicate poor data quality at this position in the gnomAD database. This sequence change replaces threonine, which is neutral and polar, with asparagine, which is neutral and polar, at codon 692 of the ITGA7 protein (p.Thr692Asn).

NM_002206.3(ITGA7):c.2075C>A (p.Thr692Asn)

Genes: ITGA7 (integrin subunit alpha 7; minus strand), LOC126861535 (CDK7 strongly-dependent group 2 enhancer GRCh37_chr12:56087579-56088778; plus strand). Cytogenetic location: 12q13.2.
Variant type: single nucleotide variant.
Coding change: c.2075C>A on transcript NM_002206.3 (MANE Select); coding-DNA position 2075, C replaced by A.
Protein change: p.Thr692Asn; replaces threonine 692 with asparagine.
Molecular consequence: missense variant.
Genome position (GRCh38, 1-based): chr12:55,694,899, G>T on the plus strand (C>A on the coding strand, the complement: ITGA7 is on the minus strand). VCF-style: chr12-55694899-G-T. GRCh37 (hg19) VCF-style: chr12-56088683-G-T.
Other names: c.2087C>A, p.Thr696Asn (NM_001144996.2); c.1796C>A, p.Thr599Asn (NM_001144997.2); c.1748C>A, p.Thr583Asn (NM_001367993.1); c.731C>A, p.Thr244Asn (NM_001367994.1); c.2057C>A, p.Thr686Asn (NM_001374465.1); c.2207C>A, p.Thr736Asn (NM_001410977.1); c.2069C>A, p.Thr690Asn (NM_001414029.1); c.2000C>A, p.Thr667Asn (NM_001414030.1); and 4 more; short protein forms T579N, T583N, T652N, T696N, T631N, T244N, T599N, T663N.
Identifiers: ClinVar variation 2083771 (VCV002083771.4), dbSNP rs767513705, ClinGen allele CA6615739.